The following is an entry in ClinVar:

NM_000051.4(ATM):c.8454A>C (p.Glu2818Asp)

Genes: ATM (ATM serine/threonine kinase; plus strand), C11orf65 (chromosome 11 open reading frame 65; minus strand). Cytogenetic location: 11q22.3.
Variant type: single nucleotide variant.
Coding change: c.8454A>C on transcript NM_000051.4 (MANE Select); coding-DNA position 8454, A replaced by C.
Protein change: p.Glu2818Asp; replaces glutamic acid 2818 with aspartic acid.
Molecular consequence: missense variant. On other transcripts: intron variant (2).
Genome position (GRCh38, 1-based): chr11:108,345,778, A>C. VCF-style: chr11-108345778-A-C. GRCh37 (hg19) VCF-style: chr11-108216505-A-C.
Other names: c.8454A>C, p.Glu2818Asp (NM_001351834.2); c.641-36707T>G (NM_001330368.2); c.695-10486T>G (NM_001351110.2); short protein forms E2818D.
Identifiers: ClinVar variation 3452839 (VCV003452839.1).

ClinVar aggregate classification (germline): Uncertain significance (1 of 4 stars; one submission).

Conditions:
Hereditary cancer-predisposing syndrome. Also called: Tumor predisposition; Hereditary Cancer Syndrome; Neoplastic Syndromes, Hereditary; Hereditary neoplastic syndrome. Identifiers: Orphanet 140162, MedGen C0027672, MeSH D009386, MONDO:0015356.

gnomAD v4.1: 1 of 1,613,288 alleles (0.000062%); highest among the groups gnomAD compares: Non-Finnish European, 0.000085%; no homozygotes.

Submission:

Ambry Genetics
Classification: Uncertain significance for Hereditary cancer-predisposing syndrome. Last evaluated: 2024-11-18. Review status: criteria provided, single submitter. Criteria: Ambry Variant Classification Scheme 2023. Collection method: clinical testing. Allele origin: germline.
Comment: The p.E2818D variant (also known as c.8454A>C), located in coding exon 57 of the ATM gene, results from an A to C substitution at nucleotide position 8454. The glutamic acid at codon 2818 is replaced by aspartic acid, an amino acid with highly similar properties. This amino acid position is conserved. In addition, this alteration is predicted to be tolerated by in silico analysis. Based on the available evidence, the clinical significance of this variant remains unclear.